The following is an entry in ClinVar:

ClinVar aggregate classification (germline): Uncertain significance. Review status: criteria provided, multiple submitters, no conflicts (2 of 4 stars). 3 submissions from 3 submitters: Uncertain significance (3). Last evaluated 2023-04-11.

Conditions:
Inborn genetic diseases. Identifiers: MedGen C0950123, MeSH D030342.
Pyridoxine-dependent epilepsy (EPEO4). Also called: Pyridoxine-Dependent Seizures; Pyridoxine-Dependent Epilepsy - ALDH7A1; PYRIDOXINE DEPENDENCY WITH SEIZURES; EPILEPSY, EARLY-ONSET, 4, VITAMIN B6-DEPENDENT. Identifiers: Orphanet 3006, MedGen C1849508, MONDO:0009945, OMIM 266100. Disease mechanism: loss of function.

Allele frequency attached by ClinVar (database versions not stated): ExAC 0.00001; gnomAD exomes 0.00001.
gnomAD v4.1: 16 of 1,607,196 alleles (0.001%); highest among the groups gnomAD compares: Non-Finnish European, 0.0013%; no homozygotes.

Submissions (3):

Genome-Nilou Lab
Classification: Uncertain significance for Pyridoxine-dependent epilepsy. Last evaluated: 2023-04-11. Review status: criteria provided, single submitter. Criteria: ACMG Guidelines, 2015. Collection method: clinical testing. Allele origin: germline. Affected: no.

Labcorp Genetics (formerly Invitae), Labcorp
Classification: Uncertain significance for Pyridoxine-dependent epilepsy. Last evaluated: 2022-02-07. Review status: criteria provided, single submitter. Criteria: Invitae Variant Classification Sherloc (09022015). Collection method: clinical testing. Allele origin: germline.
Comment: This sequence change replaces isoleucine, which is neutral and non-polar, with valine, which is neutral and non-polar, at codon 524 of the ALDH7A1 protein (p.Ile524Val). This variant is present in population databases (rs765681480, gnomAD 0.003%). This variant has not been reported in the literature in individuals affected with ALDH7A1-related conditions. Algorithms developed to predict the effect of missense changes on protein structure and function (SIFT, PolyPhen-2, Align-GVGD) all suggest that this variant is likely to be tolerated. In summary, the available evidence is currently insufficient to determine the role of this variant in disease. Therefore, it has been classified as a Variant of Uncertain Significance.

Ambry Genetics
Classification: Uncertain significance for Inborn genetic diseases. Last evaluated: 2021-08-12. Review status: criteria provided, single submitter. Criteria: Ambry Variant Classification Scheme 2023. Collection method: clinical testing. Allele origin: germline.

NM_001182.5(ALDH7A1):c.1570A>G (p.Ile524Val)

Gene: ALDH7A1 (aldehyde dehydrogenase 7 family member A1; minus strand). Cytogenetic location: 5q23.2.
Variant type: single nucleotide variant.
Coding change: c.1570A>G on transcript NM_001182.5 (MANE Select); coding-DNA position 1570, A replaced by G.
Protein change: p.Ile524Val; replaces isoleucine 524 with valine.
Molecular consequence: missense variant.
Genome position (GRCh38, 1-based): chr5:126,545,015, T>C on the plus strand (A>G on the coding strand, the complement: ALDH7A1 is on the minus strand). VCF-style: chr5-126545015-T-C. GRCh37 (hg19) VCF-style: chr5-125880707-T-C.
Other names: c.1486A>G, p.Ile496Val (NM_001201377.2); c.1378A>G, p.Ile460Val (NM_001202404.2); c.1570A>G (NM_001182.4); short protein forms I524V, I460V, I496V.
Identifiers: ClinVar variation 2145416 (VCV002145416.3), dbSNP rs765681480, ClinGen allele CA3389346.